The following is an entry in ClinVar:

NM_032043.3(BRIP1):c.2143C>T (p.His715Tyr)

Gene: BRIP1 (BRCA1 interacting DNA helicase 1; minus strand). Cytogenetic location: 17q23.2.
Variant type: single nucleotide variant.
Coding change: c.2143C>T on transcript NM_032043.3 (MANE Select); coding-DNA position 2143, C replaced by T.
Protein change: p.His715Tyr; replaces histidine 715 with tyrosine.
Molecular consequence: missense variant.
Genome position (GRCh38, 1-based): chr17:61,744,546, G>A on the plus strand (C>T on the coding strand, the complement: BRIP1 is on the minus strand). VCF-style: chr17-61744546-G-A. GRCh37 (hg19) VCF-style: chr17-59821907-G-A.
Other names: short protein forms H715Y.
Identifiers: ClinVar variation 3240969 (VCV003240969.2), dbSNP rs2077033211.
Genomic context (GRCh38, chr17:61,744,546, plus strand): 5'-AATTTGTTTTTTCTCCTCCCTGTGGTTCTACAATGACTGTCTTCACCAACTCCAGATTAT[G>A]CCATAAACCAGTAGAGAGCCAACGTTCTTTTAATTTTTCTAATAACTAAAGAGGGGAAAG-3'
Protein context (NP_114432.2, residues 705-725): KERWLSTGLW[His715Tyr]NLELVKTVIV

ClinVar aggregate classification (germline): Uncertain significance. Review status: criteria provided, multiple submitters, no conflicts (2 of 4 stars). 2 submissions from 2 submitters: Uncertain significance (2). Last evaluated 2025-08-22.

Conditions:
Familial cancer of breast. Also called: BREAST CANCER, FAMILIAL; Hereditary breast cancer; hereditary breast carcinoma. Identifiers: Orphanet 227535, MedGen C0346153, MONDO:0016419, OMIM 114480. Disease mechanism: loss of function.
Hereditary cancer-predisposing syndrome. Also called: Neoplastic Syndromes, Hereditary; Tumor predisposition; Hereditary neoplastic syndrome; Hereditary Cancer Syndrome. Identifiers: Orphanet 140162, MedGen C0027672, MeSH D009386, MONDO:0015356.

Submissions (2):

Ambry Genetics
Classification: Uncertain significance for Hereditary cancer-predisposing syndrome. Last evaluated: 2025-08-22. Review status: criteria provided, single submitter. Criteria: Ambry Variant Classification Scheme 2023. Collection method: clinical testing. Allele origin: germline.
Comment: The p.H715Y variant (also known as c.2143C>T), located in coding exon 14 of the BRIP1 gene, results from a C to T substitution at nucleotide position 2143. The histidine at codon 715 is replaced by tyrosine, an amino acid with similar properties. This amino acid position is conserved. In addition, this alteration is predicted to be tolerated by in silico analysis. Based on the available evidence, the clinical significance of this variant remains unclear.

Baylor Genetics
Classification: Uncertain significance for Familial cancer of breast. Last evaluated: 2024-02-09. Review status: criteria provided, single submitter. Criteria: ACMG Guidelines, 2015. Collection method: clinical testing. Allele origin: unknown.